The following is an entry in ClinVar:

NM_032409.3(PINK1):c.*415C>G

Genes: PINK1 (PTEN induced kinase 1; plus strand), PINK1-AS (PINK1 antisense RNA; minus strand). Cytogenetic location: 1p36.12.
Variant type: single nucleotide variant.
Coding change: c.*415C>G on transcript NM_032409.3 (MANE Select); 415 bases downstream of the stop codon, C replaced by G.
Molecular consequence: 3 prime UTR variant. On other transcripts: non-coding transcript variant (1).
Genome position (GRCh38, 1-based): chr1:20,651,106, C>G. VCF-style: chr1-20651106-C-G. GRCh37 (hg19) VCF-style: chr1-20977599-C-G.
Identifiers: ClinVar variation 295018 (VCV000295018.8), dbSNP rs8064, ClinGen allele CA10608867.

ClinVar aggregate classification (germline): Benign/Likely benign. Review status: criteria provided, multiple submitters, no conflicts (2 of 4 stars). 3 submissions from 3 submitters: Benign (2); Likely benign (1). Last evaluated 2021-05-15.

Conditions:
Autosomal recessive early-onset Parkinson disease 6 (PARK6). Also called: PARKINSON DISEASE 6, EARLY-ONSET; PINK1 Type of Young-Onset Parkinson Disease; PINK1-Related Parkinson Disease; PARKINSON DISEASE 6, MODIFIER OF. Identifiers: Orphanet 2828, MedGen C1853833, MONDO:0011613, OMIM 605909.

Allele frequency attached by ClinVar (database versions not stated): 1000 Genomes Project 30x 0.11415; 1000 Genomes Project 0.11502; TOPMed 0.14132; gnomAD 0.14517 and 0.14609; gnomAD exomes 0.17558.
gnomAD v4.1: 42,629 of 267,966 alleles (16%); highest among the groups gnomAD compares: Middle Eastern, 21%; 4,078 homozygotes.

Submissions (3):

GeneDx
Classification: Benign. Last evaluated: 2021-05-15. Review status: criteria provided, single submitter. Criteria: GeneDx Variant Classification Process June 2021. Collection method: clinical testing. Allele origin: germline. Affected: yes.

Illumina Laboratory Services, Illumina
Classification: Benign for Autosomal recessive early-onset Parkinson disease 6. Last evaluated: 2018-01-12. Review status: criteria provided, single submitter. Criteria: ICSL Variant Classification Criteria 13 December 2019. Collection method: clinical testing. Allele origin: germline.
Comment: This variant was observed in the ICSL laboratory as part of a predisposition screen in an ostensibly healthy population. It had not been previously curated by ICSL or reported in the Human Gene Mutation Database (HGMD: prior to June 1st, 2018), and was therefore a candidate for classification through an automated scoring system. Utilizing variant allele frequency, disease prevalence and penetrance estimates, and inheritance mode, an automated score was calculated to assess if this variant is too frequent to cause the disease. Based on the score and internal cut-off values, a variant classified as benign is not then subjected to further curation. The score for this variant resulted in a classification of benign for this disease.

Breakthrough Genomics
Classification: Likely benign. Review status: criteria provided, single submitter. Criteria: ACMG Guidelines, 2015. Collection method: not provided. Allele origin: germline. Inheritance: Autosomal recessive inheritance. Affected: yes.